The following is an entry in ClinVar:

NM_006214.4(PHYH):c.602G>A (p.Arg201Gln)

Gene: PHYH (phytanoyl-CoA 2-hydroxylase; minus strand). Cytogenetic location: 10p13.
Variant type: single nucleotide variant.
Coding change: c.602G>A on transcript NM_006214.4 (MANE Select); coding-DNA position 602, G replaced by A.
Protein change: p.Arg201Gln; replaces arginine 201 with glutamine.
Molecular consequence: missense variant. On other transcripts: intron variant (1).
Genome position (GRCh38, 1-based): chr10:13,288,436, C>T on the plus strand (G>A on the coding strand, the complement: PHYH is on the minus strand). VCF-style: chr10-13288436-C-T. GRCh37 (hg19) VCF-style: chr10-13330436-C-T.
Other names: c.302G>A, p.Arg101Gln (NM_001037537.2, NM_001323080.2); c.608G>A, p.Arg203Gln (NM_001323082.2); c.308G>A, p.Arg103Gln (NM_001323084.2); c.415-4597G>A (NM_001323083.2); short protein forms R101Q, R201Q, R203Q, R103Q.
Identifiers: ClinVar variation 2178495 (VCV002178495.1), dbSNP rs1436380043, ClinGen allele CA376035421.

ClinVar aggregate classification (germline): Uncertain significance (1 of 4 stars; one submission).

Allele frequency attached by ClinVar (database versions not stated): gnomAD 0.00002; TOPMed 0.00002.

Submission:

Labcorp Genetics (formerly Invitae), Labcorp
Classification: Uncertain significance. Last evaluated: 2022-05-08. Review status: criteria provided, single submitter. Criteria: Invitae Variant Classification Sherloc (09022015). Collection method: clinical testing. Allele origin: germline.
Comment: This sequence change replaces arginine, which is basic and polar, with glutamine, which is neutral and polar, at codon 201 of the PHYH protein (p.Arg201Gln). This variant is present in population databases (no rsID available, gnomAD 0.003%). This variant has not been reported in the literature in individuals affected with PHYH-related conditions. Algorithms developed to predict the effect of missense changes on protein structure and function output the following: SIFT: "Deleterious"; PolyPhen-2: "Benign"; Align-GVGD: "Class C0". The glutamine amino acid residue is found in multiple mammalian species, which suggests that this missense change does not adversely affect protein function. In summary, the available evidence is currently insufficient to determine the role of this variant in disease. Therefore, it has been classified as a Variant of Uncertain Significance.